The following is an entry in ClinVar:

ClinVar aggregate classification (germline): Uncertain significance (1 of 4 stars; one submission).

Conditions:
Sterile multifocal osteomyelitis with periostitis and pustulosis. Also called: CHRONIC RECURRENT MULTIFOCAL OSTEOMYELITIS 2, WITH PERIOSTITIS AND PUSTULOSIS. Identifiers: Orphanet 210115, MedGen C2748507, MONDO:0013021, OMIM 612852.

Allele frequency attached by ClinVar (database versions not stated): ExAC 0.00001.

Submission:

Labcorp Genetics (formerly Invitae), Labcorp
Classification: Uncertain significance for Sterile multifocal osteomyelitis with periostitis and pustulosis. Last evaluated: 2020-02-06. Review status: criteria provided, single submitter. Criteria: Invitae Variant Classification Sherloc (09022015). Collection method: clinical testing. Allele origin: germline.
Comment: This variant is present in population databases (rs765957403, ExAC 0.002%). This sequence change replaces methionine with lysine at codon 170 of the IL1RN protein (p.Met170Lys). The methionine residue is weakly conserved and there is a moderate physicochemical difference between methionine and lysine. In summary, the available evidence is currently insufficient to determine the role of this variant in disease. Therefore, it has been classified as a Variant of Uncertain Significance. Algorithms developed to predict the effect of missense changes on protein structure and function output the following: SIFT: "Tolerated"; PolyPhen-2: "Benign"; Align-GVGD: "Class C0". The lysine amino acid residue is found in multiple mammalian species, suggesting that this missense change does not adversely affect protein function. These predictions have not been confirmed by published functional studies and their clinical significance is uncertain. This variant has not been reported in the literature in individuals with IL1RN-related conditions.

NM_173842.3(IL1RN):c.500T>A (p.Met167Lys)

Gene: IL1RN (interleukin 1 receptor antagonist; plus strand). Cytogenetic location: 2q14.1.
Variant type: single nucleotide variant.
Coding change: c.500T>A on transcript NM_173842.3 (MANE Select); coding-DNA position 500, T replaced by A.
Protein change: p.Met167Lys; replaces methionine 167 with lysine.
Molecular consequence: missense variant.
Genome position (GRCh38, 1-based): chr2:113,132,837, T>A. VCF-style: chr2-113132837-T-A. GRCh37 (hg19) VCF-style: chr2-113890414-T-A.
Other names: c.446T>A, p.Met149Lys (NM_000577.5); c.398T>A, p.Met133Lys (NM_001318914.2, NM_001379360.1, NM_173843.3); c.509T>A, p.Met170Lys (NM_173841.3); short protein forms M133K, M149K, M167K, M170K.
Identifiers: ClinVar variation 1053146 (VCV001053146.10), dbSNP rs765957403, ClinGen allele CA1838919.